The following is an entry in ClinVar:

ClinVar aggregate classification (germline): Pathogenic/Likely pathogenic. Review status: criteria provided, multiple submitters, no conflicts (2 of 4 stars). 4 submissions from 4 submitters: Pathogenic (3); Likely pathogenic (1). Last evaluated 2023-07-20.

Conditions:
Hereditary cancer-predisposing syndrome. Also called: Tumor predisposition; Hereditary neoplastic syndrome; Neoplastic Syndromes, Hereditary; Hereditary Cancer Syndrome. Identifiers: Orphanet 140162, MedGen C0027672, MeSH D009386, MONDO:0015356.
Hereditary breast ovarian cancer syndrome. Also called: Hereditary breast and/or ovarian cancer syndrome; Hereditary breast and ovarian cancer syndrome; Hereditary breast and ovarian cancer syndrome (HBOC); Hereditary breast and ovarian cancer; BRCA1- and BRCA2-Associated Hereditary Breast and Ovarian Cancer; Breast and ovarian cancer. Identifiers: Orphanet 145, MedGen C0677776, MeSH D061325, MONDO:0003582. Disease mechanism: loss of function.
Breast-ovarian cancer, familial, susceptibility to, 2 (BROVCA2). Also called: BRCA2 Hereditary Breast and Ovarian Cancer. Identifiers: Orphanet 145, MedGen C2675520, MONDO:0012933, OMIM 612555. Disease mechanism: loss of function.

Submissions (5):

Labcorp Genetics (formerly Invitae), Labcorp
Classification: Pathogenic for Hereditary breast ovarian cancer syndrome. Last evaluated: 2023-07-20. Review status: criteria provided, single submitter. Criteria: Invitae Variant Classification Sherloc (09022015). Collection method: clinical testing. Allele origin: germline.
Comment: This variant is not present in population databases (gnomAD no frequency). This sequence change affects an acceptor splice site in intron 17 of the BRCA2 gene. RNA analysis indicates that disruption of this splice site induces altered splicing and may result in an absent or disrupted protein product. Disruption of this splice site has been observed in individual(s) with breast and/or ovarian cancers (PMID: 29446198). For these reasons, this variant has been classified as Pathogenic. Studies have shown that disruption of this splice site alters mRNA splicing and is expected to lead to the loss of protein expression (PMID: 16211554, 22006311, 28339459, 32398771; Invitae). ClinVar contains an entry for this variant (Variation ID: 267690).

Ambry Genetics
Classification: Likely pathogenic for Hereditary cancer-predisposing syndrome. Last evaluated: 2022-11-22. Review status: criteria provided, single submitter. Criteria: Ambry Variant Classification Scheme 2023. Collection method: clinical testing. Allele origin: germline.
Comment: The c.7977-1G>A intronic variant results from a G to A substitution one nucleotide upstream from coding exon 17 of the BRCA2 gene. Alterations that disrupt the canonical splice site are expected to cause aberrant splicing, resulting in an abnormal protein or a transcript that is subject to nonsense-mediated mRNA decay. This alteration was identified in a large, worldwide study of BRCA1/2 mutation positive families (Rebbeck TR et al. Hum Mutat, 2018 05;39:593-620). This nucleotide position is highly conserved in available vertebrate species. In silico splice site analysis predicts that this alteration will weaken the native splice acceptor site; however, direct evidence is insufficient at this time (Ambry internal data). Based on the majority of available evidence to date, this variant is likely to be pathogenic.

Color Diagnostics, LLC DBA Color Health
Classification: Pathogenic for Hereditary cancer-predisposing syndrome. Last evaluated: 2021-08-09. Review status: criteria provided, single submitter. Criteria: ACMG Guidelines, 2015. Collection method: clinical testing. Allele origin: germline.
Comment: This variant causes a G to A nucleotide substitution at the -1 position of intron 17 of the BRCA2 gene. Splice site prediction tools predict that this variant may have a significant impact on RNA splicing. This variant has been reported in multiple individuals affected with breast and ovarian (PMID: 24916970, 27469594, 28477318, 30515680; Color internal data). This variant has not been identified in the general population by the Genome Aggregation Database (gnomAD). A different variant occurring at the same position BRCA2:c.7977-1G>C is a well documented Pathogenic variant (ClinVar variationID: 38132), indicating the functional and clinical importance of this position. Loss of BRCA2 function is a known mechanism of disease. Based on the available evidence, this variant is classified as Pathogenic.

Consortium of Investigators of Modifiers of BRCA1/2 (CIMBA), c/o University of Cambridge
Classification: Pathogenic for Breast-ovarian cancer, familial, susceptibility to, 2. Last evaluated: 2015-10-02. Review status: criteria provided, single submitter. Criteria: CIMBA Mutation Classification guidelines May 2016. Collection method: clinical testing. Allele origin: germline.

Dr. Peter K. Rogan Lab, Western University
No classification provided (evidence only). Condition: Cervical cancer. Review status: no classification provided. Collection method: in vitro. Allele origin: not applicable. Functional consequence: retained intron. Not counted in ClinVar's aggregate classification.

Literature cited by the submitters: PubMed 29446198 (cited by Labcorp Genetics (formerly Invitae), Labcorp and Ambry Genetics); PubMed 16211554 (cited by Labcorp Genetics (formerly Invitae), Labcorp); PubMed 22006311 (cited by Labcorp Genetics (formerly Invitae), Labcorp); PubMed 28339459 (cited by Labcorp Genetics (formerly Invitae), Labcorp); PubMed 32398771 (cited by Labcorp Genetics (formerly Invitae), Labcorp); PubMed 33646313 (cited by Ambry Genetics).

NM_000059.4(BRCA2):c.7977-1G>A

Gene: BRCA2 (BRCA2 DNA repair associated; plus strand). Cytogenetic location: 13q13.1.
Variant type: single nucleotide variant.
Coding change: c.7977-1G>A on transcript NM_000059.4 (MANE Select); the canonical splice acceptor site of the intron before coding-DNA position 7977, G replaced by A.
Molecular consequence: splice acceptor variant.
Genome position (GRCh38, 1-based): chr13:32,363,178, G>A. VCF-style: chr13-32363178-G-A. GRCh37 (hg19) VCF-style: chr13-32937315-G-A.
Other names: c.7977-1G>A (NM_001406720.1); c.7881-1G>A (NM_001406719.1); c.3045-1G>A (NM_001406721.1); c.1560-1G>A (NM_001406722.1).
Identifiers: ClinVar variation 267690 (VCV000267690.18), dbSNP rs81002874, ClinGen allele CA10602545.
Genomic context (GRCh38, chr13:32,363,178, plus strand): 5'-TTAAACAGTGGAATTCTAGAGTCACACTTCCTAAAATATGCATTTTTGTTTTCACTTTTA[G>A]ATATGATACGGAAATTGATAGAAGCAGAAGATCGGCTATAAAAAAGATAATGGAAAGGGA-3'